The following is an entry in ClinVar:

ClinVar aggregate classification (germline): Uncertain significance (1 of 4 stars; one submission).

Conditions:
Inborn genetic diseases. Identifiers: MedGen C0950123, MeSH D030342.

gnomAD v4.1: 2 of 1,599,622 alleles (0.00013%); highest among the groups gnomAD compares: Non-Finnish European, 0.00017%; no homozygotes.

Submission:

Ambry Genetics
Classification: Uncertain significance for Inborn genetic diseases. Last evaluated: 2024-12-08. Review status: criteria provided, single submitter. Criteria: Ambry Variant Classification Scheme 2023. Collection method: clinical testing. Allele origin: germline.
Comment: The p.H2027Y variant (also known as c.6079C>T), located in coding exon 23 of the FANCM gene, results from a C to T substitution at nucleotide position 6079. The histidine at codon 2027 is replaced by tyrosine, an amino acid with similar properties. This amino acid position is conserved. In addition, this alteration is predicted to be tolerated by in silico analysis. Based on the available evidence, the clinical significance of this variant remains unclear.

NM_020937.4(FANCM):c.6079C>T (p.His2027Tyr)

Gene: FANCM (FA complementation group M; plus strand). Cytogenetic location: 14q21.2.
Variant type: single nucleotide variant.
Coding change: c.6079C>T on transcript NM_020937.4 (MANE Select); coding-DNA position 6079, C replaced by T.
Protein change: p.His2027Tyr; replaces histidine 2027 with tyrosine.
Molecular consequence: missense variant.
Genome position (GRCh38, 1-based): chr14:45,199,940, C>T. VCF-style: chr14-45199940-C-T. GRCh37 (hg19) VCF-style: chr14-45669143-C-T.
Other names: c.6001C>T, p.His2001Tyr (NM_001308133.2); short protein forms H2001Y, H2027Y.
Identifiers: ClinVar variation 3512994 (VCV003512994.1).